The following is an entry in ClinVar:

NM_000321.3(RB1):c.1768dup (p.Cys590fs)

Gene: RB1 (RB transcriptional corepressor 1; plus strand). Cytogenetic location: 13q14.2.
Variant type: Duplication.
Coding change: c.1768dup on transcript NM_000321.3 (MANE Select); coding-DNA position 1768, one base duplicated (T; older notation c.1768dupT).
Protein change: p.Cys590fs; shifts the reading frame from cysteine 590.
Molecular consequence: frameshift variant.
Genome position (GRCh38, 1-based): chr13:48,453,065, T duplicated; the last of 2 consecutive T bases (chr13:48,453,064-48,453,065); duplicating either gives the same sequence. VCF-style (leftmost placement, unchanged base first): chr13-48453063-C-CT. GRCh37 (hg19) VCF-style: chr13-49027199-C-CT.
Other names: c.1768dup, p.Cys590fs (NM_001407165.1); short protein forms C590fs.
Identifiers: ClinVar variation 4056130 (VCV004056130.3).

ClinVar aggregate classification (germline): Pathogenic. Review status: criteria provided, multiple submitters, no conflicts (2 of 4 stars). 2 submissions from 2 submitters: Pathogenic (2). Last evaluated 2025-10-12.

Conditions:
Retinoblastoma (RB1). Also called: RETINOBLASTOMA, SOMATIC. Identifiers: Orphanet 790, MedGen C0035335, MeSH D012175, MONDO:0008380, OMIM 180200, HP:0009919. Disease mechanism: loss of function. Inheritance: Both sporadic and heritable forms are tested..

Submissions (2):

Labcorp Genetics (formerly Invitae), Labcorp
Classification: Pathogenic for Retinoblastoma. Last evaluated: 2025-10-12. Review status: criteria provided, single submitter. Criteria: Invitae Variant Classification Sherloc (09022015). Collection method: clinical testing. Allele origin: germline.
Comment: This sequence change creates a premature translational stop signal (p.Cys590Leufs*4) in the RB1 gene. It is expected to result in an absent or disrupted protein product. Loss-of-function variants in RB1 are known to be pathogenic (PMID: 17096365). This variant is not present in population databases (gnomAD no frequency). This variant has not been reported in the literature in individuals affected with RB1-related conditions. ClinVar contains an entry for this variant (Variation ID: 4056130). For these reasons, this variant has been classified as Pathogenic.

St. Jude Molecular Pathology, St. Jude Children's Research Hospital
Classification: Pathogenic for Retinoblastoma. Last evaluated: 2025-06-17. Review status: criteria provided, single submitter. Criteria: St. Jude Assertion Criteria 2020. Collection method: clinical testing. Allele origin: germline.
Comment: The RB1 c.1768dup p.(Cys590LeufsTer4) change duplicates one nucleotide to cause a frameshift and the creation of a premature stop codon. This change is predicted to cause protein truncation or absence of protein due to nonsense-mediated decay. This variant is also absent in gnomAD v2.1.1. In summary, this variant meets criteria to be classified as pathogenic.

Literature cited by the submitters: PubMed 17096365 (cited by Labcorp Genetics (formerly Invitae), Labcorp).